The following is an entry in ClinVar:

NM_139076.3(ABRAXAS1):c.1010C>G (p.Pro337Arg)

Gene: ABRAXAS1 (abraxas 1, BRCA1 A complex subunit; minus strand). Cytogenetic location: 4q21.23.
Variant type: single nucleotide variant.
Coding change: c.1010C>G on transcript NM_139076.3 (MANE Select); coding-DNA position 1010, C replaced by G.
Protein change: p.Pro337Arg; replaces proline 337 with arginine.
Molecular consequence: missense variant.
Genome position (GRCh38, 1-based): chr4:83,462,689, G>C on the plus strand (C>G on the coding strand, the complement: ABRAXAS1 is on the minus strand). VCF-style: chr4-83462689-G-C. GRCh37 (hg19) VCF-style: chr4-84383842-G-C.
Other names: c.683C>G, p.Pro228Arg (NM_001345962.2); short protein forms P228R, P337R.
Identifiers: ClinVar variation 3229126 (VCV003229126.1), dbSNP rs1375444295, ClinGen allele CA357255512.

ClinVar aggregate classification (germline): Uncertain significance (1 of 4 stars; one submission).

Submission:

Ambry Genetics
Classification: Uncertain significance. Last evaluated: 2024-03-09. Review status: criteria provided, single submitter. Criteria: Ambry Variant Classification Scheme 2023. Collection method: clinical testing. Allele origin: germline.
Comment: The p.P337R variant (also known as c.1010C>G), located in coding exon 9 of the FAM175A gene, results from a C to G substitution at nucleotide position 1010. The proline at codon 337 is replaced by arginine, an amino acid with dissimilar properties. This amino acid position is conserved. In addition, this alteration is predicted to be tolerated by in silico analysis. Based on the available evidence, the clinical significance of this alteration remains unclear.